The following is an entry in ClinVar:

ClinVar aggregate classification (germline): Uncertain significance (1 of 4 stars; one submission).

Submission:

GeneDx
Classification: Uncertain significance. Last evaluated: 2024-07-24. Review status: criteria provided, single submitter. Criteria: GeneDx Variant Classification Process June 2021. Collection method: clinical testing. Allele origin: germline. Affected: yes.
Comment: Not observed at significant frequency in large population cohorts (gnomAD); In silico analysis supports that this missense variant has a deleterious effect on protein structure/function; Has not been previously published as pathogenic or benign to our knowledge

NM_006421.5(ARFGEF1):c.1481T>G (p.Val494Gly)

Gene: ARFGEF1 (ARF guanine nucleotide exchange factor 1; minus strand). Cytogenetic location: 8q13.2.
Variant type: single nucleotide variant.
Coding change: c.1481T>G on transcript NM_006421.5 (MANE Select); coding-DNA position 1481, T replaced by G.
Protein change: p.Val494Gly; replaces valine 494 with glycine.
Molecular consequence: missense variant. On other transcripts: non-coding transcript variant (1).
Genome position (GRCh38, 1-based): chr8:67,271,793, A>C on the plus strand (T>G on the coding strand, the complement: ARFGEF1 is on the minus strand). VCF-style: chr8-67271793-A-C. GRCh37 (hg19) VCF-style: chr8-68184028-A-C.
Other names: c.1481T>G, p.Val494Gly (NM_001413184.1, NM_001413185.1, NM_001413186.1 and 7 more transcripts); c.881T>G, p.Val294Gly (NM_001413188.1, NM_001413193.1, NM_001413197.1); c.56T>G, p.Val19Gly (NM_001413196.1); short protein forms V19G, V294G, V494G.
Identifiers: ClinVar variation 3600546 (VCV003600546.1).